The following is an entry in ClinVar:

NM_001148.6(ANK2):c.5486G>A (p.Arg1829Lys)

Genes: ANK2 (ankyrin 2; plus strand), LOC126807136 (MED14-independent group 3 enhancer GRCh37_chr4:114274931-114276130; plus strand). Cytogenetic location: 4q26.
Variant type: single nucleotide variant.
Coding change: c.5486G>A on transcript NM_001148.6 (MANE Select); coding-DNA position 5486, G replaced by A.
Protein change: p.Arg1829Lys; replaces arginine 1829 with lysine.
Molecular consequence: missense variant. On other transcripts: intron variant (68).
Genome position (GRCh38, 1-based): chr4:113,354,104, G>A. VCF-style: chr4-113354104-G-A. GRCh37 (hg19) VCF-style: chr4-114275260-G-A.
Other names: c.5252G>A, p.Arg1751Lys (NM_001386142.1); c.1886G>A, p.Arg629Lys (NM_001386166.1); c.5627G>A, p.Arg1876Lys (NM_001386174.1); c.5603G>A, p.Arg1868Lys (NM_001386175.1); c.4411+3855G>A (NM_001386186.2, NM_001386148.2); c.4213+3855G>A (NM_001354269.3); c.4291+3855G>A (NM_001386187.2); c.4252+3855G>A (NM_001386147.1); and 35 more; short protein forms R1829K, R1876K, R1751K, R629K, R1868K.
Identifiers: ClinVar variation 1747823 (VCV001747823.2), dbSNP rs2505369029, ClinGen allele CA357919877.

ClinVar aggregate classification (germline): Uncertain significance (1 of 4 stars; one submission).

Conditions:
Cardiovascular phenotype. Identifiers: MedGen CN230736.

Submission:

Ambry Genetics
Classification: Uncertain significance for Cardiovascular phenotype. Last evaluated: 2021-09-07. Review status: criteria provided, single submitter. Criteria: Ambry Variant Classification Scheme 2023. Collection method: clinical testing. Allele origin: germline.
Comment: The p.R1829K variant (also known as c.5486G>A), located in coding exon 38 of the ANK2 gene, results from a G to A substitution at nucleotide position 5486. The arginine at codon 1829 is replaced by lysine, an amino acid with highly similar properties. This amino acid position is well conserved in available vertebrate species. In addition, this alteration is predicted to be tolerated by in silico analysis. Since supporting evidence is limited at this time, the clinical significance of this alteration remains unclear.